The following is an entry in ClinVar:

NM_000038.6(APC):c.1408+1672A>G

Gene: APC (APC regulator of WNT signaling pathway; plus strand). Cytogenetic location: 5q22.2.
Variant type: single nucleotide variant.
Coding change: c.1408+1672A>G on transcript NM_000038.6 (MANE Select); 1672 bases into the intron after coding-DNA position 1408, A replaced by G.
Molecular consequence: intron variant.
Genome position (GRCh38, 1-based): chr5:112,823,663, A>G. VCF-style: chr5-112823663-A-G. GRCh37 (hg19) VCF-style: chr5-112159360-A-G.
Other names: c.1408+1672A>G (NM_001354895.2, NM_001127510.3); c.1438+1672A>G (NM_001354897.2); c.1135+1672A>G (NM_001354902.2); c.1354+1672A>G (NM_001127511.3); c.1333+1672A>G (NM_001354898.2); c.1030+1672A>G (NM_001354904.2); c.559+1672A>G (NM_001354906.2); c.1462+303A>G (NM_001354896.2); and 5 more.
Identifiers: ClinVar variation 83138 (VCV000083138.2), dbSNP rs79083929, ClinGen allele CA004895.

ClinVar aggregate classification (germline): other (0 of 4 stars; one submission).

Conditions:
Familial colorectal cancer. Identifiers: MedGen CN280943, MONDO:0023113. Disease mechanism: loss of function.

Allele frequency attached by ClinVar (database versions not stated): gnomAD 0.05472 and 0.05727; TOPMed 0.06236; 1000 Genomes Project 0.07149; 1000 Genomes Project 30x 0.07277.
gnomAD v4.1: 8,281 of 152,256 alleles (5.4%); highest among the groups gnomAD compares: African/African-American, 14%; 451 homozygotes.

Submission:

Systems Biology Platform Zhejiang California International NanoSystems Institute
Classification: other for Familial colorectal cancer. Review status: no assertion criteria provided. Collection method: not provided. Allele origin: unknown.
ClinVar note: Converted during submission from cancer to other.